The following is an entry in ClinVar:

ClinVar aggregate classification (germline): Pathogenic. Review status: criteria provided, multiple submitters, no conflicts (2 of 4 stars). 2 submissions from 2 submitters: Pathogenic (2). Last evaluated 2025-09-27.

Conditions:
Cockayne spectrum with or without cerebrooculofacioskeletal syndrome. Identifiers: MedGen CN315928, MONDO:0100506.

Submissions (2):

Myriad Genetics, Inc.
Classification: Pathogenic for Cockayne spectrum with or without cerebrooculofacioskeletal syndrome. Last evaluated: 2025-09-27. Review status: criteria provided, single submitter. Criteria: Myriad Autosomal Dominant, Autosomal Recessive and X-Linked Classification Criteria (2023). Collection method: clinical testing. Allele origin: unknown.
Comment: NM_000124.2(ERCC6):c.1033A>T(K345*) is expected to be pathogenic in the context of ERCC6-related disorders. This variant is predicted to lead to an abnormal or absent protein product due to the creation of a premature termination codon in ERCC6, a gene where loss-of-function variants are known to be pathogenic. Please note: this variant was assessed in the context of healthy population screening.

Labcorp Genetics (formerly Invitae), Labcorp
Classification: Pathogenic. Last evaluated: 2022-12-23. Review status: criteria provided, single submitter. Criteria: Invitae Variant Classification Sherloc (09022015). Collection method: clinical testing. Allele origin: germline.
Comment: This sequence change creates a premature translational stop signal (p.Lys345*) in the ERCC6 gene. It is expected to result in an absent or disrupted protein product. Loss-of-function variants in ERCC6 are known to be pathogenic (PMID: 18628313, 29572252). This variant is not present in population databases (gnomAD no frequency). This variant has not been reported in the literature in individuals affected with ERCC6-related conditions. Algorithms developed to predict the effect of sequence changes on RNA splicing suggest that this variant may create or strengthen a splice site. For these reasons, this variant has been classified as Pathogenic.

Literature cited by the submitters: PubMed 18628313 (cited by Labcorp Genetics (formerly Invitae), Labcorp); PubMed 29572252 (cited by Labcorp Genetics (formerly Invitae), Labcorp).

NM_000124.4(ERCC6):c.1033A>T (p.Lys345Ter)

Gene: ERCC6 (ERCC excision repair 6, chromatin remodeling factor; minus strand). Cytogenetic location: 10q11.23.
Variant type: single nucleotide variant.
Coding change: c.1033A>T on transcript NM_000124.4 (MANE Select); coding-DNA position 1033, A replaced by T.
Protein change: p.Lys345Ter; replaces lysine 345 with a stop codon.
Molecular consequence: nonsense.
Genome position (GRCh38, 1-based): chr10:49,524,397, T>A on the plus strand (A>T on the coding strand, the complement: ERCC6 is on the minus strand). VCF-style: chr10-49524397-T-A. GRCh37 (hg19) VCF-style: chr10-50732443-T-A.
Other names: c.1033A>T, p.Lys345Ter (NM_001277058.2, NM_001277059.2, NM_001346440.2); short protein forms K345*.
Identifiers: ClinVar variation 2823472 (VCV002823472.4), dbSNP rs1837258723, ClinGen allele CA376753294.